The following is an entry in ClinVar:

NM_001267550.2(TTN):c.61336C>T (p.Arg20446Cys)

Genes: TTN (titin; minus strand), TTN-AS1 (TTN antisense RNA 1; plus strand). Cytogenetic location: 2q31.2.
Variant type: single nucleotide variant.
Coding change: c.61336C>T on transcript NM_001267550.2 (MANE Select); coding-DNA position 61336, C replaced by T.
Protein change: p.Arg20446Cys; replaces arginine 20446 with cysteine.
Molecular consequence: missense variant.
Genome position (GRCh38, 1-based): chr2:178,590,389, G>A on the plus strand (C>T on the coding strand, the complement: TTN is on the minus strand). VCF-style: chr2-178590389-G-A. GRCh37 (hg19) VCF-style: chr2-179455116-G-A.
Other names: p.Arg18805Cys; c.56413C>T, p.Arg18805Cys (NM_001256850.1); c.34141C>T, p.Arg11381Cys (NM_003319.4); c.53632C>T, p.Arg17878Cys (NM_133378.4); c.34516C>T, p.Arg11506Cys (NM_133432.3); c.34717C>T, p.Arg11573Cys (NM_133437.4); short protein forms R18805C, R20446C, R11381C, R11506C, R11573C, R17878C.
Identifiers: ClinVar variation 1731192 (VCV001731192.4), dbSNP rs1470445238, ClinGen allele CA349473569.

ClinVar aggregate classification (germline): Uncertain significance. Review status: criteria provided, multiple submitters, no conflicts (2 of 4 stars). 3 submissions from 3 submitters: Uncertain significance (3). Last evaluated 2026-08-10.

Conditions:
TTN-related disorder. Also called: TTN-related disorders; TTN-related condition; TTN-related disease.
Cardiovascular phenotype. Identifiers: MedGen CN230736.

Allele frequency attached by ClinVar (database versions not stated): TOPMed below 0.00001; gnomAD 0.00001.
gnomAD v4.1: 69 of 1,596,974 alleles (0.0043%); highest among the groups gnomAD compares: Non-Finnish European, 0.0049%; no homozygotes.

Submissions (3):

PreventionGenetics, part of Exact Sciences
Classification: Uncertain significance for TTN-related condition. Last evaluated: 2026-08-10. Review status: criteria provided, single submitter. Criteria: ACMG Guidelines, 2015. Collection method: clinical testing. Allele origin: germline.
Comment: The TTN c.61336C>T variant is predicted to result in the amino acid substitution p.Arg20446Cys. This variant has been reported in an individual with dilated cardiomyopathy although no additional evidence was provided to support its pathogenicity (Supplemental Table 3, Mazzarotto et al. 2020. PubMed ID: 31983221). This variant is reported in 0.0031% of alleles in individuals of Latino descent in gnomAD. At this time, the clinical significance of this variant is uncertain due to the absence of conclusive functional and genetic evidence.

Mayo Clinic Laboratories, Mayo Clinic
Classification: Uncertain significance. Last evaluated: 2025-03-10. Review status: criteria provided, single submitter. Criteria: ACMG Guidelines, 2015. Collection method: clinical testing. Allele origin: germline. Observed: 1 variant allele.
Comment: PM2_supporting

Ambry Genetics
Classification: Uncertain significance for Cardiovascular phenotype. Last evaluated: 2019-07-08. Review status: criteria provided, single submitter. Criteria: Ambry Variant Classification Scheme 2023. Collection method: clinical testing. Allele origin: germline.
Comment: The p.R11381C variant (also known as c.34141C>T), located in coding exon 131 of the TTN gene, results from a C to T substitution at nucleotide position 34141. The arginine at codon 11381 is replaced by cysteine, an amino acid with highly dissimilar properties. This amino acid position is highly conserved in available vertebrate species. In addition, the in silico prediction for this alteration is inconclusive. Since supporting evidence is limited at this time, the clinical significance of this alteration remains unclear.

Literature cited by the submitters: PubMed 31983221 (cited by Mayo Clinic Laboratories, Mayo Clinic).